The following is an entry in ClinVar:

ClinVar aggregate classification (germline): Conflicting classifications of pathogenicity. Review status: criteria provided, conflicting classifications (1 of 4 stars). 3 submissions from 3 submitters: Likely pathogenic (1); Uncertain significance (2). Last evaluated 2025-07-08.

Conditions:
Progressive sclerosing poliodystrophy (MTDPS4A). Also called: ALPERS PROGRESSIVE INFANTILE POLIODYSTROPHY; Alpers-Huttenlocher Syndrome (AHS); NEURONAL DEGENERATION OF CHILDHOOD WITH LIVER DISEASE, PROGRESSIVE; Mitochondrial DNA depletion syndrome 4A (Alpers type); Mitochondrial DNA Depletion Syndrome 4A; Alpers Syndrome. Identifiers: Orphanet 726, MedGen C0205710, MONDO:0008758, OMIM 203700.

Submissions (3):

Labcorp Genetics (formerly Invitae), Labcorp
Classification: Uncertain significance for Progressive sclerosing poliodystrophy. Last evaluated: 2025-07-08. Review status: criteria provided, single submitter. Criteria: Invitae Variant Classification Sherloc (09022015). Collection method: clinical testing. Allele origin: germline.
Comment: This sequence change replaces isoleucine, which is neutral and non-polar, with methionine, which is neutral and non-polar, at codon 954 of the POLG protein (p.Ile954Met). This variant is not present in population databases (gnomAD no frequency). This missense change has been observed in individual(s) with respiratory failure and hypotonia (PMID: 32668698). ClinVar contains an entry for this variant (Variation ID: 1198809). Invitae Evidence Modeling of protein sequence and biophysical properties (such as structural, functional, and spatial information, amino acid conservation, physicochemical variation, residue mobility, and thermodynamic stability) indicates that this missense variant is expected to disrupt POLG protein function with a positive predictive value of 95%. In summary, the available evidence is currently insufficient to determine the role of this variant in disease. Therefore, it has been classified as a Variant of Uncertain Significance.

Women's Health and Genetics/Laboratory Corporation of America, LabCorp
Classification: Uncertain significance. Last evaluated: 2023-09-07. Review status: criteria provided, single submitter. Criteria: LabCorp Variant Classification Summary - May 2015. Collection method: clinical testing. Allele origin: germline.
Comment: Variant summary: POLG c.2862C>G (p.Ile954Met) results in a conservative amino acid change located in the DNA-directed DNA polymerase, family A, palm domain (IPR001098) of the encoded protein sequence. Three of five in-silico tools predict a damaging effect of the variant on protein function. The variant was absent in 251216 control chromosomes. c.2862C>G has been reported in the literature in individuals affected with Alpers syndrome (Smigiel_2020). These data indicate that the variant may be associated with disease. To our knowledge, no experimental evidence demonstrating an impact on protein function has been reported. The following publication have been ascertained in the context of this evaluation (PMID: 32668698). One submitter has cited clinical-significance assessments for this variant to ClinVar after 2014 and has classified the variant as likely pathogenic. Based on the evidence outlined above, the variant was classified as VUS-possibly pathogenic.

GeneDx
Classification: Likely pathogenic. Last evaluated: 2021-05-19. Review status: criteria provided, single submitter. Criteria: GeneDx Variant Classification Process June 2021. Collection method: clinical testing. Allele origin: germline. Affected: yes.
Comment: Not observed in large population cohorts (Lek et al., 2016); In silico analysis, which includes protein predictors and evolutionary conservation, supports a deleterious effect; This variant is associated with the following publications: (PMID: 32668698)

Literature cited by the submitters: PubMed 32668698 (cited by Labcorp Genetics (formerly Invitae), Labcorp and Women's Health and Genetics/Laboratory Corporation of America, LabCorp).

NM_002693.3(POLG):c.2862C>G (p.Ile954Met)

Gene: POLG (DNA polymerase gamma, catalytic subunit; minus strand). Cytogenetic location: 15q26.1.
Variant type: single nucleotide variant.
Coding change: c.2862C>G on transcript NM_002693.3 (MANE Select); coding-DNA position 2862, C replaced by G.
Protein change: p.Ile954Met; replaces isoleucine 954 with methionine.
Molecular consequence: missense variant.
Genome position (GRCh38, 1-based): chr15:89,320,885, G>C on the plus strand (C>G on the coding strand, the complement: POLG is on the minus strand). VCF-style: chr15-89320885-G-C. GRCh37 (hg19) VCF-style: chr15-89864116-G-C.
Other names: c.2862C>G, p.Ile954Met (NM_001126131.2); short protein forms I954M.
Identifiers: ClinVar variation 1198809 (VCV001198809.6), dbSNP rs2152060967, ClinGen allele CA393752726.
Genomic context (GRCh38, chr15:89,320,885, plus strand): 5'-TGTGAGCCGGTGGTTAAACTGCATTAGTAAGCGCTCAGCAAAGGGCTGCCCAGCACCATA[G>C]ATGCGGCCGTAGTTGAAGATTTTGGCATGCTCACGGCTGATGCCCACAGTAGTGGCTGTC-3'
Protein context (NP_002684.1, residues 944-964): EHAKIFNYGR[Ile954Met]YGAGQPFAER